The following is an entry in ClinVar:

ClinVar aggregate classification (germline): Uncertain significance (1 of 4 stars; one submission).

Conditions:
Lopes-Maciel-Rodan syndrome (LOMARS). Identifiers: MedGen C4479491, MONDO:0054573, OMIM 617435.

Submission:

Juno Genomics, Hangzhou Juno Genomics, Inc
Classification: Uncertain significance for Lopes-Maciel-Rodan syndrome. Review status: criteria provided, single submitter. Criteria: ACMG Guidelines, 2015. Collection method: clinical testing. Allele origin: germline.
Comment: Absent from controls (or at extremely low frequency if recessive) in Genome Aggregation Database.;Missense variant in a gene that has a low rate of benign missense variation.

NM_001388492.1(HTT):c.607A>G (p.Arg203Gly)

Gene: HTT (huntingtin; plus strand). Cytogenetic location: 4p16.3.
Variant type: single nucleotide variant.
Coding change: c.607A>G on transcript NM_001388492.1 (MANE Select); coding-DNA position 607, A replaced by G.
Protein change: p.Arg203Gly; replaces arginine 203 with glycine.
Molecular consequence: missense variant.
Genome position (GRCh38, 1-based): chr4:3,105,435, A>G. VCF-style: chr4-3105435-A-G. GRCh37 (hg19) VCF-style: chr4-3107162-A-G.
Other names: c.613A>G, p.Arg205Gly (NM_002111.8); short protein forms R203G, R205G.
Identifiers: ClinVar variation 5018876 (VCV005018876.2).